The following is an entry in ClinVar:

ClinVar aggregate classification (germline): Pathogenic (1 of 4 stars; one submission).

Conditions:
Marfan syndrome (MFS). Also called: FBN1-Related Marfan Syndrome; MARFAN SYNDROME, TYPE I; Marfan syndrome type 1; Marfan's syndrome; Marfan syndrome, classic. Identifiers: Orphanet 284963, Orphanet 558, MedGen C0024796, MONDO:0007947, OMIM 154700.
Familial thoracic aortic aneurysm and aortic dissection (TAAD). Also called: Thoracic aortic aneurysms and dissections. Identifiers: Orphanet 91387, MedGen C4707243, MONDO:0019625.

Submission:

Labcorp Genetics (formerly Invitae), Labcorp
Classification: Pathogenic for Marfan syndrome; Familial thoracic aortic aneurysm and aortic dissection. Last evaluated: 2025-12-13. Review status: criteria provided, single submitter. Criteria: Invitae Variant Classification Sherloc (09022015). Collection method: clinical testing. Allele origin: germline.
Comment: This sequence change creates a premature translational stop signal (p.Glu1366*) in the FBN1 gene. It is expected to result in an absent or disrupted protein product. Loss-of-function variants in FBN1 are known to be pathogenic (PMID: 17657824, 19293843). This variant is not present in population databases (gnomAD no frequency). This premature translational stop signal has been observed in individual(s) with Marfan syndrome (PMID: 15221638). For these reasons, this variant has been classified as Pathogenic.

Literature cited by the submitters: PubMed 17657824; PubMed 19293843; PubMed 15221638.

NM_000138.5(FBN1):c.4096G>T (p.Glu1366Ter)

Gene: FBN1 (fibrillin 1; minus strand). Cytogenetic location: 15q21.1.
Variant type: single nucleotide variant.
Coding change: c.4096G>T on transcript NM_000138.5 (MANE Select); coding-DNA position 4096, G replaced by T.
Protein change: p.Glu1366Ter; replaces glutamic acid 1366 with a stop codon.
Molecular consequence: nonsense.
Genome position (GRCh38, 1-based): chr15:48,474,369, C>A on the plus strand (G>T on the coding strand, the complement: FBN1 is on the minus strand). VCF-style: chr15-48474369-C-A. GRCh37 (hg19) VCF-style: chr15-48766566-C-A.
Other names: c.4096G>T, p.Glu1366Ter (NM_001406716.1); short protein forms E1366*.
Identifiers: ClinVar variation 4783799 (VCV004783799.1).